The following is an entry in ClinVar:

NM_000380.4(XPA):c.619C>A (p.Arg207=)

Gene: XPA (XPA, DNA damage recognition and repair factor; minus strand). Cytogenetic location: 9q22.33.
Variant type: single nucleotide variant.
Coding change: c.619C>A on transcript NM_000380.4 (MANE Select); coding-DNA position 619, C replaced by A.
Protein change: p.Arg207=; no amino-acid change (arginine 207 retained).
Molecular consequence: synonymous variant. On other transcripts: non-coding transcript variant (5).
Genome position (GRCh38, 1-based): chr9:97,684,977, G>T on the plus strand (C>A on the coding strand, the complement: XPA is on the minus strand). VCF-style: chr9-97684977-G-T. GRCh37 (hg19) VCF-style: chr9-100447259-G-T.
Other names: c.493C>A, p.Arg165= (NM_001354975.2).
Identifiers: ClinVar variation 2659338 (VCV002659338.24), dbSNP rs104894133, ClinGen allele CA466174890.

ClinVar aggregate classification (germline): Likely benign (1 of 4 stars; one submission).

gnomAD v4.1: 1 of 1,612,906 alleles (0.000062%); highest among the groups gnomAD compares: Non-Finnish European, 0.000085%; no homozygotes.

Submission:

CeGaT Center for Human Genetics Tuebingen
Classification: Likely benign. Last evaluated: 2023-08-01. Review status: criteria provided, single submitter. Criteria: CeGaT Center For Human Genetics Tuebingen Variant Classification Criteria Version 2. Collection method: clinical testing. Allele origin: germline. Affected: yes. Observed: 1 variant allele.
Comment: XPA: PM2:Supporting, BP4, BP7